The following is an entry in ClinVar:

ClinVar aggregate classification (germline): Pathogenic/Likely pathogenic. Review status: criteria provided, multiple submitters, no conflicts (2 of 4 stars). 4 submissions from 4 submitters: Pathogenic (1); Likely pathogenic (3). Last evaluated 2025-01-13.

Conditions:
Glycogen storage disease, type II (IOPD). Also called: CARDIOMEGALIA GLYCOGENICA DIFFUSA; GLYCOGENOSIS, GENERALIZED, CARDIAC FORM; GSD II; POMPE DISEASE, INFANTILE-ONSET; GLYCOGEN STORAGE DISEASE II, INFANTILE-ONSET; ACID ALPHA-GLUCOSIDASE DEFICIENCY, INFANTILE-ONSET. Identifiers: Orphanet 365, MedGen C0017921, MONDO:0009290, OMIM 232300.

gnomAD v4.1: 1 of 1,599,180 alleles (0.000063%); highest among the groups gnomAD compares: Admixed American, 0.0017%; no homozygotes.

Submissions (4):

Labcorp Genetics (formerly Invitae), Labcorp
Classification: Pathogenic for Glycogen storage disease, type II. Last evaluated: 2025-01-13. Review status: criteria provided, single submitter. Criteria: Invitae Variant Classification Sherloc (09022015). Collection method: clinical testing. Allele origin: germline.
Comment: This sequence change creates a premature translational stop signal (p.Gln715*) in the GAA gene. It is expected to result in an absent or disrupted protein product. Loss-of-function variants in GAA are known to be pathogenic (PMID: 18425781, 22252923). This variant is not present in population databases (gnomAD no frequency). This variant has not been reported in the literature in individuals affected with GAA-related conditions. ClinVar contains an entry for this variant (Variation ID: 983723). For these reasons, this variant has been classified as Pathogenic.

Revvity Omics, Revvity
Classification: Likely pathogenic. Last evaluated: 2024-09-06. Review status: criteria provided, single submitter. Criteria: ACMG Guidelines, 2015. Collection method: clinical testing. Allele origin: germline.

Baylor Genetics
Classification: Likely pathogenic for Glycogen storage disease, type II. Last evaluated: 2024-02-26. Review status: criteria provided, single submitter. Criteria: ACMG Guidelines, 2015. Collection method: clinical testing. Allele origin: unknown.

Myriad Genetics, Inc.
Classification: Likely pathogenic for Glycogen storage disease, type II. Last evaluated: 2019-08-09. Review status: criteria provided, single submitter. Criteria: Myriad Women's Health Autosomal Recessive and X-Linked Classification Criteria (2019). Collection method: clinical testing. Allele origin: unknown.
Comment: NM_000152.3(GAA):c.2143C>T(Q715*) is expected to be pathogenic in the context of Pompe disease. This variant is predicted to lead to an abnormal or absent protein product due to the creation of a premature termination codon in GAA, a gene where loss-of-function variants are known to be pathogenic. Please note: this variant was assessed in the context of healthy population screening.

Literature cited by the submitters: PubMed 18425781 (cited by Labcorp Genetics (formerly Invitae), Labcorp); PubMed 22252923 (cited by Labcorp Genetics (formerly Invitae), Labcorp).

NM_000152.5(GAA):c.2143C>T (p.Gln715Ter)

Gene: GAA (alpha glucosidase; plus strand). Cytogenetic location: 17q25.3.
Variant type: single nucleotide variant.
Coding change: c.2143C>T on transcript NM_000152.5 (MANE Select); coding-DNA position 2143, C replaced by T.
Protein change: p.Gln715Ter; replaces glutamine 715 with a stop codon.
Molecular consequence: nonsense.
Genome position (GRCh38, 1-based): chr17:80,113,320, C>T. VCF-style: chr17-80113320-C-T. GRCh37 (hg19) VCF-style: chr17-78087119-C-T.
Other names: c.2143C>T, p.Gln715Ter (NM_001079803.3, NM_001079804.3); short protein forms Q715*.
Identifiers: ClinVar variation 983723 (VCV000983723.11), dbSNP rs1275298143, ClinGen allele CA401370578.